The following is an entry in ClinVar:

NM_013339.4(ALG6):c.942A>G (p.Ile314Met)

Gene: ALG6 (ALG6 alpha-1,3-glucosyltransferase; plus strand). Cytogenetic location: 1p31.3.
Variant type: single nucleotide variant.
Coding change: c.942A>G on transcript NM_013339.4 (MANE Select); coding-DNA position 942, A replaced by G.
Protein change: p.Ile314Met; replaces isoleucine 314 with methionine.
Molecular consequence: missense variant.
Genome position (GRCh38, 1-based): chr1:63,415,912, A>G. VCF-style: chr1-63415912-A-G. GRCh37 (hg19) VCF-style: chr1-63881583-A-G.
Other names: short protein forms I314M.
Identifiers: ClinVar variation 1412811 (VCV001412811.4), dbSNP rs774489558, ClinGen allele CA888305.

ClinVar aggregate classification (germline): Uncertain significance. Review status: criteria provided, multiple submitters, no conflicts (2 of 4 stars). 2 submissions from 2 submitters: Uncertain significance (2). Last evaluated 2022-10-21.

Conditions:
ALG6-congenital disorder of glycosylation 1C (CDG1C). Also called: CARBOHYDRATE-DEFICIENT GLYCOPROTEIN SYNDROME, TYPE I, WITH DEFICIENT GLYCOSYLATION OF DOLICHOL-LINKED OLIGOSACCHARIDE; CARBOHYDRATE-DEFICIENT GLYCOPROTEIN SYNDROME, TYPE V; Congenital disorder of glycosylation type 1C; Congenital disorder of glycosylation, type Ic; CDG Ic. Identifiers: Orphanet 79320, MedGen C2930997, MONDO:0011291, OMIM 603147.

Allele frequency attached by ClinVar (database versions not stated): TOPMed 0.00001; gnomAD 0.00002 and 0.00003; gnomAD exomes 0.00004; ExAC 0.00005.
gnomAD v4.1: 44 of 1,611,946 alleles (0.0027%); highest among the groups gnomAD compares: Non-Finnish European, 0.0033%; no homozygotes.

Submissions (2):

Labcorp Genetics (formerly Invitae), Labcorp
Classification: Uncertain significance for ALG6-congenital disorder of glycosylation 1C. Last evaluated: 2022-10-21. Review status: criteria provided, single submitter. Criteria: Invitae Variant Classification Sherloc (09022015). Collection method: clinical testing. Allele origin: germline.
Comment: This sequence change replaces isoleucine, which is neutral and non-polar, with methionine, which is neutral and non-polar, at codon 314 of the ALG6 protein (p.Ile314Met). This variant is present in population databases (rs774489558, gnomAD 0.007%). This variant has not been reported in the literature in individuals affected with ALG6-related conditions. ClinVar contains an entry for this variant (Variation ID: 1412811). Advanced modeling of protein sequence and biophysical properties (such as structural, functional, and spatial information, amino acid conservation, physicochemical variation, residue mobility, and thermodynamic stability) performed at Invitae indicates that this missense variant is not expected to disrupt ALG6 protein function. In summary, the available evidence is currently insufficient to determine the role of this variant in disease. Therefore, it has been classified as a Variant of Uncertain Significance.

Breakthrough Genomics
Classification: Uncertain significance. Review status: criteria provided, single submitter. Criteria: ACMG Guidelines, 2015. Collection method: not provided. Allele origin: germline. Inheritance: Autosomal recessive inheritance. Affected: yes.